The following is an entry in ClinVar:

NM_001371928.1(AHDC1):c.2538G>A (p.Ser846=)

Gene: AHDC1 (AT-hook DNA binding motif containing 1; minus strand). Cytogenetic location: 1p36.11.
Variant type: single nucleotide variant.
Coding change: c.2538G>A on transcript NM_001371928.1 (MANE Select); coding-DNA position 2538, G replaced by A.
Protein change: p.Ser846=; no amino-acid change (serine 846 retained).
Molecular consequence: synonymous variant.
Genome position (GRCh38, 1-based): chr1:27,549,578, C>T on the plus strand (G>A on the coding strand, the complement: AHDC1 is on the minus strand). VCF-style: chr1-27549578-C-T. GRCh37 (hg19) VCF-style: chr1-27876089-C-T.
Other names: c.2538G>A (NM_001029882.2); c.2538G>A, p.Ser846= (NM_001029882.3).
Identifiers: ClinVar variation 790333 (VCV000790333.34), dbSNP rs202137607, ClinGen allele CA715747.

ClinVar aggregate classification (germline): Benign/Likely benign. Review status: criteria provided, multiple submitters, no conflicts (2 of 4 stars). 7 submissions from 7 submitters: Benign (3); Likely benign (2). 2 of the submissions do not count toward it. Last evaluated 2026-01-19.

Conditions:
AHDC1-related disorder. Also called: AHDC1-related condition.
AHDC1-related intellectual disability - obstructive sleep apnea - mild dysmorphism syndrome. Also called: Xia-Gibbs syndrome. Identifiers: Orphanet 412069, MedGen C4014419, MONDO:0014358, OMIM 615829.

Allele frequency attached by ClinVar (database versions not stated): TOPMed 0.00019; gnomAD 0.00021 and 0.00026; ExAC 0.00029; gnomAD exomes 0.00035; 1000 Genomes Project 30x 0.00125; 1000 Genomes Project 0.00160.

Submissions (8):

Labcorp Genetics (formerly Invitae), Labcorp
Classification: Benign. Last evaluated: 2026-01-19. Review status: criteria provided, single submitter. Criteria: Invitae Variant Classification Sherloc (09022015). Collection method: clinical testing. Allele origin: germline.

Blueprint Genetics
Classification: Likely benign. Last evaluated: 2024-11-25. Review status: criteria provided, single submitter. Criteria: ACMG Guidelines, 2015. Collection method: clinical testing. Allele origin: germline.

CeGaT Center for Human Genetics Tuebingen
Classification: Likely benign. Last evaluated: 2024-06-01. Review status: criteria provided, single submitter. Criteria: CeGaT Center For Human Genetics Tuebingen Variant Classification Criteria Version 2. Collection method: clinical testing. Allele origin: germline. Affected: yes. Observed: 1 variant allele.
Comment: AHDC1: BP4, BP7, BS1

Genome-Nilou Lab
Classification: Benign for AHDC1-related intellectual disability - obstructive sleep apnea - mild dysmorphism syndrome. Last evaluated: 2021-12-05. Review status: criteria provided, single submitter. Criteria: ACMG Guidelines, 2015. Collection method: clinical testing. Allele origin: germline. Affected: no.

GeneDx
Classification: Benign. Last evaluated: 2020-03-25. Review status: criteria provided, single submitter. Criteria: GeneDx Variant Classification Process June 2021. Collection method: clinical testing. Allele origin: germline. Affected: yes.

PreventionGenetics, part of Exact Sciences
Classification: Benign for AHDC1-related condition. Last evaluated: 2019-04-16. Review status: no assertion criteria provided. Collection method: clinical testing. Allele origin: germline. Not counted in ClinVar's aggregate classification.
Comment: This variant is classified as benign based on ACMG/AMP sequence variant interpretation guidelines (Richards et al. 2015 PMID: 25741868, with internal and published modifications).

Department of Pathology and Laboratory Medicine, Sinai Health System
Classification: Benign. Review status: no assertion criteria provided. Collection method: clinical testing. Allele origin: unknown. Affected: yes. Study: The Canadian Open Genetics Repository (COGR). Not counted in ClinVar's aggregate classification.
Comment: The AHDC1 p.Ser846Ser variant was not identified in the literature or in ClinVar, Cosmic, LOVD 3.0. The variant was identified in dbSNP (ID: rs202137607) and in control databases in 101 of 280590 chromosomes (1 homozygous) at a frequency of 0.00036 increasing the likelihood this could be a low frequency benign variant (Genome Aggregation Database Feb 27, 2017). The variant was observed in the following populations: East Asian in 92 of 19868 chromosomes (freq: 0.004631), Other in 1 of 7190 chromosomes (freq: 0.000139), Latino in 2 of 35398 chromosomes (freq: 0.000057) and European (non-Finnish) in 6 of 127554 chromosomes (freq: 0.000047), but not in the African, Ashkenazi Jewish, European (Finnish), and South Asian populations. This frequency is greater than expected for the rare, early onset, autosomal dominant Xia-Gibbs syndrome associated with pathogenic AHDC1 variants. The p.Ser846Ser variant is not expected to have clinical significance because it does not result in a change of amino acid and is not located in a known consensus splice site. 3 of 4 in silico or computational prediction software programs (SpliceSiteFinder, MaxEntScan, NNSPLICE, GeneSplicer) predict a greater than 10% difference in splicing, however this information is not predictive enough to assume pathogenicity. In summary, based on the above information this variant meets our laboratory's criteria to be classified as benign.

Dr. Peter K. Rogan Lab, Western University
No classification provided (evidence only). Condition: Hepatocellular carcinoma. Review status: no classification provided. Collection method: in vitro. Allele origin: not applicable. Functional consequence: skipped exon, retained intron. Not counted in ClinVar's aggregate classification.